The following is an entry in ClinVar:

ClinVar aggregate classification (germline): Uncertain significance (1 of 4 stars; one submission).

Conditions:
Myasthenic syndrome, congenital, 22 (CMS22). Also called: PREPL DEFICIENCY. Identifiers: MedGen C4479088, MONDO:0044299, OMIM 616224.

Allele frequency attached by ClinVar (database versions not stated): gnomAD 0.00001 and 0.00002; TOPMed 0.00001; ExAC 0.00002; gnomAD exomes 0.00002 and 0.00003.
gnomAD v4.1: 32 of 1,612,460 alleles (0.002%); highest among the groups gnomAD compares: South Asian, 0.0088%; no homozygotes.

Submission:

Labcorp Genetics (formerly Invitae), Labcorp
Classification: Uncertain significance for Myasthenic syndrome, congenital, 22. Last evaluated: 2021-09-14. Review status: criteria provided, single submitter. Criteria: Invitae Variant Classification Sherloc (09022015). Collection method: clinical testing. Allele origin: germline.
Comment: This sequence change replaces methionine with valine at codon 343 of the PREPL protein (p.Met343Val). The methionine residue is moderately conserved and there is a small physicochemical difference between methionine and valine. This variant is present in population databases (rs771442588, ExAC 0.009%). This variant has not been reported in the literature in individuals affected with PREPL-related conditions. Algorithms developed to predict the effect of missense changes on protein structure and function (SIFT, PolyPhen-2, Align-GVGD) all suggest that this variant is likely to be tolerated. Algorithms developed to predict the effect of sequence changes on RNA splicing suggest that this variant may create or strengthen a splice site. In summary, the available evidence is currently insufficient to determine the role of this variant in disease. Therefore, it has been classified as a Variant of Uncertain Significance.

NM_001171613.2(PREPL):c.760A>G (p.Met254Val)

Gene: PREPL (prolyl endopeptidase like; minus strand). Cytogenetic location: 2p21.
Variant type: single nucleotide variant.
Coding change: c.760A>G on transcript NM_001171613.2 (MANE Select); coding-DNA position 760, A replaced by G.
Protein change: p.Met254Val; replaces methionine 254 with valine.
Molecular consequence: missense variant. On other transcripts: intron variant (1).
Genome position (GRCh38, 1-based): chr2:44,338,479, T>C on the plus strand (A>G on the coding strand, the complement: PREPL is on the minus strand). VCF-style: chr2-44338479-T-C. GRCh37 (hg19) VCF-style: chr2-44565618-T-C.
Other names: c.1027A>G, p.Met343Val (NM_006036.4, NM_001042386.2, NM_001171603.1 and 3 more transcripts); c.760A>G, p.Met254Val (NM_001171617.1, NM_001374277.1); c.969+668A>G (NM_001042385.2); short protein forms M254V, M343V.
Identifiers: ClinVar variation 639300 (VCV000639300.4), dbSNP rs771442588, ClinGen allele CA1641349.
Genomic context (GRCh38, chr2:44,338,479, plus strand): 5'-GAAATAGAACACAGTGATCCTTAAACATGTCCAAGTCTATCACTTTTGTATTTCTCTTCA[T>C]TGTAAAAAATAAATCCCAATTCATAATTGCAGGGGTATCAGCCGCTGTTCTCATTAGCTA-3'
Protein context (NP_001165084.1, residues 244-264): AIMNWDLFFT[Met254Val]KRNTKVIDLD